The following is an entry in ClinVar:

ClinVar aggregate classification (germline): Likely benign (1 of 4 stars; one submission).

Conditions:
SCAPER-related disorder. Also called: SCAPER-related condition.

gnomAD v4.1: 4 of 1,605,612 alleles (0.00025%); highest among the groups gnomAD compares: Admixed American, 0.0017%; no homozygotes.

Submission:

PreventionGenetics, part of Exact Sciences
Classification: Likely benign for SCAPER-related condition. Last evaluated: 2025-03-07. Review status: criteria provided, single submitter. Criteria: ACMG Guidelines, 2015. Collection method: clinical testing. Allele origin: germline.
Comment: This variant is classified as likely benign based on ACMG/AMP sequence variant interpretation guidelines (Richards et al. 2015 PMID: 25741868, with internal and published modifications).

NM_020843.4(SCAPER):c.2964C>T (p.Cys988=)

Gene: SCAPER (S-phase cyclin A associated protein in the ER; minus strand). Cytogenetic location: 15q24.3.
Variant type: single nucleotide variant.
Coding change: c.2964C>T on transcript NM_020843.4 (MANE Select); coding-DNA position 2964, C replaced by T.
Protein change: p.Cys988=; no amino-acid change (cysteine 988 retained).
Molecular consequence: synonymous variant. On other transcripts: non-coding transcript variant (1).
Genome position (GRCh38, 1-based): chr15:76,471,326, G>A on the plus strand (C>T on the coding strand, the complement: SCAPER is on the minus strand). VCF-style: chr15-76471326-G-A. GRCh37 (hg19) VCF-style: chr15-76763667-G-A.
Other names: c.2226C>T, p.Cys742= (NM_001145923.2); c.2982C>T, p.Cys994= (NM_001353009.2); c.2562C>T, p.Cys854= (NM_001353010.2, NM_001353012.2); c.2580C>T, p.Cys860= (NM_001353011.2).
Identifiers: ClinVar variation 5001770 (VCV005001770.1).
Genomic context (GRCh38, chr15:76,471,326, plus strand): 5'-AACATCACTGCAGTTTTCTGAACAGTTATTGCAGGTGAGGTTGTAAACATTGATTGCATT[G>A]CAGAGAGACCTAAAAGAAGGAGAAAAACACCATTTATAAAACCCGAGCAGCTCTTCTTTA-3'
Protein context (NP_065894.2, residues 978-998): TVLRIPPKSL[Cys988=]NAINVYNLTC